The following is an entry in ClinVar:

ClinVar aggregate classification (germline): Uncertain significance. Review status: criteria provided, multiple submitters, no conflicts (2 of 4 stars). 2 submissions from 2 submitters: Uncertain significance (2). Last evaluated 2026-04-13.

Conditions:
Shashi-Pena syndrome (SHAPNS). Identifiers: Orphanet 689408, MedGen C4310672, MONDO:0014963, OMIM 617190.
ASXL2-related disorder. Also called: ASXL2-related condition.

Allele frequency attached by ClinVar (database versions not stated): gnomAD exomes below 0.00001; TOPMed below 0.00001.
gnomAD v4.1: 6 of 1,613,966 alleles (0.00037%); highest among the groups gnomAD compares: Non-Finnish European, 0.00051%; no homozygotes.

Submissions (2):

PreventionGenetics, part of Exact Sciences
Classification: Uncertain significance for ASXL2-related condition. Last evaluated: 2026-04-13. Review status: criteria provided, single submitter. Criteria: ACMG Guidelines, 2015. Collection method: clinical testing. Allele origin: germline.
Comment: The ASXL2 c.2847T>G variant is predicted to result in the amino acid substitution p.Asn949Lys. This variant has been reported in a fetus with an isolated complex heart defect (Smogavec et al. 2022. PubMed ID: 34974531); however, a variant in another gene was also identified in the fetus. This variant has not been reported in a large population database (gnomAD), indicating this variant is rare. At this time, the clinical significance of this variant is uncertain due to the absence of conclusive functional and genetic evidence.

Centre for Mendelian Genomics, University Medical Centre Ljubljana
Classification: Uncertain significance for Shashi-Pena syndrome. Last evaluated: 2019-03-27. Review status: criteria provided, single submitter. Criteria: ACMG Guidelines, 2015. Collection method: clinical testing. Allele origin: unknown. Affected: yes.
Comment: This variant was classified as: Uncertain significance. The available evidence on this variant's pathogenicity is insufficient or conflicting. The following ACMG criteria were applied in classifying this variant: PM2,PP3.

NM_018263.6(ASXL2):c.2847T>G (p.Asn949Lys)

Gene: ASXL2 (ASXL transcriptional regulator 2; minus strand). Cytogenetic location: 2p23.3.
Variant type: single nucleotide variant.
Coding change: c.2847T>G on transcript NM_018263.6 (MANE Select); coding-DNA position 2847, T replaced by G.
Protein change: p.Asn949Lys; replaces asparagine 949 with lysine.
Molecular consequence: missense variant.
Genome position (GRCh38, 1-based): chr2:25,743,490, A>C on the plus strand (T>G on the coding strand, the complement: ASXL2 is on the minus strand). VCF-style: chr2-25743490-A-C. GRCh37 (hg19) VCF-style: chr2-25966359-A-C.
Other names: c.2673T>G, p.Asn891Lys (NM_001369346.1); c.2067T>G, p.Asn689Lys (NM_001369347.1); short protein forms N689K, N891K, N949K.
Identifiers: ClinVar variation 931398 (VCV000931398.4), dbSNP rs1428706577, ClinGen allele CA346080184.